The following is an entry in ClinVar:

ClinVar aggregate classification (germline): Likely benign. Review status: criteria provided, multiple submitters, no conflicts (2 of 4 stars). 4 submissions from 4 submitters: Likely benign (4). Last evaluated 2025-11-14.

Allele frequency attached by ClinVar (database versions not stated): ESP Exome Variant Server 0.00015; TOPMed 0.00017; gnomAD 0.00019; gnomAD exomes 0.00025 and 0.00026; ExAC 0.00038.
gnomAD v4.1: 407 of 1,614,272 alleles (0.025%); highest among the groups gnomAD compares: Non-Finnish European, 0.032%; no homozygotes.

Submissions (4):

Women's Health and Genetics/Laboratory Corporation of America, LabCorp
Classification: Likely benign. Last evaluated: 2025-11-14. Review status: criteria provided, single submitter. Criteria: LabCorp Variant Classification Summary - May 2015. Collection method: clinical testing. Allele origin: germline.

Blueprint Genetics
Classification: Likely benign. Last evaluated: 2024-11-20. Review status: criteria provided, single submitter. Criteria: ACMG Guidelines, 2015. Collection method: clinical testing. Allele origin: germline.

Quest Diagnostics Nichols Institute San Juan Capistrano
Classification: Likely benign. Last evaluated: 2023-05-31. Review status: criteria provided, single submitter. Criteria: Quest Diagnostics criteria. Collection method: clinical testing. Allele origin: unknown.

CeGaT Center for Human Genetics Tuebingen
Classification: Likely benign. Last evaluated: 2022-05-01. Review status: criteria provided, single submitter. Criteria: CeGaT Center For Human Genetics Tuebingen Variant Classification Criteria Version 2. Collection method: clinical testing. Allele origin: germline. Affected: yes. Observed: 1 variant allele.
Comment: VWF: BP4, BP7

NM_000552.5(VWF):c.8325T>C (p.Ser2775=)

Gene: VWF (von Willebrand factor; minus strand). Cytogenetic location: 12p13.31.
Variant type: single nucleotide variant.
Coding change: c.8325T>C on transcript NM_000552.5 (MANE Select); coding-DNA position 8325, T replaced by C.
Protein change: p.Ser2775=; no amino-acid change (serine 2775 retained).
Molecular consequence: synonymous variant.
Genome position (GRCh38, 1-based): chr12:5,949,132, A>G on the plus strand (T>C on the coding strand, the complement: VWF is on the minus strand). VCF-style: chr12-5949132-A-G. GRCh37 (hg19) VCF-style: chr12-6058298-A-G.
Other names: c.8325T>C (NM_000552.4).
Identifiers: ClinVar variation 619761 (VCV000619761.41), dbSNP rs138588762, ClinGen allele CA6401332.